The following is an entry in ClinVar:

NM_000428.3(LTBP2):c.34C>G (p.Arg12Gly)

Gene: LTBP2 (latent transforming growth factor beta binding protein 2; minus strand). Cytogenetic location: 14q24.3.
Variant type: single nucleotide variant.
Coding change: c.34C>G on transcript NM_000428.3 (MANE Select); coding-DNA position 34, C replaced by G.
Protein change: p.Arg12Gly; replaces arginine 12 with glycine.
Molecular consequence: missense variant.
Genome position (GRCh38, 1-based): chr14:74,611,911, G>C on the plus strand (C>G on the coding strand, the complement: LTBP2 is on the minus strand). VCF-style: chr14-74611911-G-C. GRCh37 (hg19) VCF-style: chr14-75078614-G-C.
Other names: short protein forms R12G.
Identifiers: ClinVar variation 2083128 (VCV002083128.2), dbSNP rs955375406, ClinGen allele CA263602208.
Genomic context (GRCh38, chr14:74,611,911, plus strand): 5'-CGCCCACGAAGAGAGCCAGGGTGAGCGGCAGGAAGCCTCTCCAGGGGTTCCGCAGGGCGC[G>C]CCCCGGGCTGCGGGCTTTGGTCCGCGGCCTCATGGCGCGGGGCGGCTGGAGAGTGGTGCG-3'
Protein context (NP_000419.1, residues 2-22): RPRTKARSPG[Arg12Gly]ALRNPWRGFL

ClinVar aggregate classification (germline): Uncertain significance (1 of 4 stars; one submission).

Allele frequency attached by ClinVar (database versions not stated): gnomAD 0.00001; TOPMed 0.00002.
gnomAD v4.1: 2 of 1,593,064 alleles (0.00013%); highest among the groups gnomAD compares: Admixed American, 0.0017%; no homozygotes.

Submission:

Labcorp Genetics (formerly Invitae), Labcorp
Classification: Uncertain significance. Last evaluated: 2022-02-14. Review status: criteria provided, single submitter. Criteria: Invitae Variant Classification Sherloc (09022015). Collection method: clinical testing. Allele origin: germline.
Comment: This sequence change replaces arginine, which is basic and polar, with glycine, which is neutral and non-polar, at codon 12 of the LTBP2 protein (p.Arg12Gly). In summary, the available evidence is currently insufficient to determine the role of this variant in disease. Therefore, it has been classified as a Variant of Uncertain Significance. Algorithms developed to predict the effect of missense changes on protein structure and function (SIFT, PolyPhen-2, Align-GVGD) all suggest that this variant is likely to be tolerated. This variant has not been reported in the literature in individuals affected with LTBP2-related conditions. This variant is not present in population databases (gnomAD no frequency).